The following is an entry in ClinVar:

ClinVar aggregate classification (germline): Pathogenic. Review status: criteria provided, multiple submitters, no conflicts (2 of 4 stars). 3 submissions from 3 submitters: Pathogenic (3). Last evaluated 2023-09-10.

Conditions:
Familial thoracic aortic aneurysm and aortic dissection (TAAD). Also called: Thoracic aortic aneurysms and dissections. Identifiers: Orphanet 91387, MedGen C4707243, MONDO:0019625.
Marfan syndrome (MFS). Also called: Marfan syndrome type 1; Marfan syndrome, classic; Marfan's syndrome; FBN1-Related Marfan Syndrome; MARFAN SYNDROME, TYPE I. Identifiers: Orphanet 284963, Orphanet 558, MedGen C0024796, MONDO:0007947, OMIM 154700.

Submissions (3):

Labcorp Genetics (formerly Invitae), Labcorp
Classification: Pathogenic for Marfan syndrome; Familial thoracic aortic aneurysm and aortic dissection. Last evaluated: 2023-09-10. Review status: criteria provided, single submitter. Criteria: Invitae Variant Classification Sherloc (09022015). Collection method: clinical testing. Allele origin: germline.
Comment: This premature translational stop signal has been observed in individual(s) with Marfan syndrome (PMID: 27906200). This sequence change creates a premature translational stop signal (p.Cys2204*) in the FBN1 gene. It is expected to result in an absent or disrupted protein product. Loss-of-function variants in FBN1 are known to be pathogenic (PMID: 17657824, 19293843). This variant is not present in population databases (gnomAD no frequency). ClinVar contains an entry for this variant (Variation ID: 519777). For these reasons, this variant has been classified as Pathogenic.

Johns Hopkins Genomics, Johns Hopkins University
Classification: Pathogenic for Marfan syndrome. Last evaluated: 2020-02-28. Review status: criteria provided, single submitter. Criteria: ACMG Guidelines, 2015. Collection method: clinical testing. Allele origin: germline.
Comment: FBN1 c.6609_6610del is absent from a large population dataset and has not been reported in the literature, to our knowledge. This variant results in a premature stop codon, likely leading to nonsense-mediated decay and lack of protein production. A single submitter in ClinVar classifies this variant as pathogenic. We consider this variant to be pathogenic.

Ambry Genetics
Classification: Pathogenic for Familial thoracic aortic aneurysm and aortic dissection. Last evaluated: 2017-05-23. Review status: criteria provided, single submitter. Criteria: Ambry Variant Classification Scheme 2023. Collection method: clinical testing. Allele origin: germline.
Comment: The c.6609_6610delAT pathogenic mutation, located in coding exon 53 of the FBN1 gene, results from a deletion of two nucleotides at nucleotide positions 6609 to 6610, causing a translational frameshift with a predicted alternate stop codon (p.C2204*). This alteration is expected to result in loss of function by premature protein truncation or nonsense-mediated mRNA decay. As such, this alteration is interpreted as a disease-causing mutation.

Literature cited by the submitters: PubMed 27906200 (cited by Labcorp Genetics (formerly Invitae), Labcorp); PubMed 17657824 (cited by Labcorp Genetics (formerly Invitae), Labcorp); PubMed 19293843 (cited by Labcorp Genetics (formerly Invitae), Labcorp).

NM_000138.5(FBN1):c.6609_6610del (p.Thr2203_Cys2204insTer)

Gene: FBN1 (fibrillin 1; minus strand). Cytogenetic location: 15q21.1.
Variant type: Deletion.
Coding change: c.6609_6610del on transcript NM_000138.5 (MANE Select); coding-DNA positions 6609 to 6610, 2 bases deleted (AT; older notation c.6609_6610delAT).
Protein change: p.Thr2203_Cys2204insTer.
Molecular consequence: frameshift variant.
Genome position (GRCh38, 1-based): chr15:48,434,600-48,434,601, AT deleted on the plus strand (AT on the coding strand, the reverse complement: FBN1 is on the minus strand). VCF-style (leftmost placement, unchanged base first): chr15-48434599-CAT-C. GRCh37 (hg19) VCF-style: chr15-48726796-CAT-C.
Other names: c.6609_6610delAT (NM_000138.4).
Identifiers: ClinVar variation 519777 (VCV000519777.16), dbSNP rs1555395002, ClinGen allele CA658798049.